The following is an entry in ClinVar:

NM_006389.5(HYOU1):c.2334A>G (p.Ala778=)

Gene: HYOU1 (hypoxia up-regulated 1; minus strand). Cytogenetic location: 11q23.3.
Variant type: single nucleotide variant.
Coding change: c.2334A>G on transcript NM_006389.5 (MANE Select); coding-DNA position 2334, A replaced by G.
Protein change: p.Ala778=; no amino-acid change (alanine 778 retained).
Molecular consequence: synonymous variant.
Genome position (GRCh38, 1-based): chr11:119,048,290, T>C on the plus strand (A>G on the coding strand, the complement: HYOU1 is on the minus strand). VCF-style: chr11-119048290-T-C. GRCh37 (hg19) VCF-style: chr11-118919002-T-C.
Other names: c.2334A>G, p.Ala778= (NM_001130991.3, NM_001411041.1).
Identifiers: ClinVar variation 2812083 (VCV002812083.3), dbSNP rs781836147, ClinGen allele CA229618557.

ClinVar aggregate classification (germline): Uncertain significance (1 of 4 stars; one submission).

Allele frequency attached by ClinVar (database versions not stated): gnomAD exomes below 0.00001; gnomAD 0.00002; TOPMed 0.00003.

Submission:

Labcorp Genetics (formerly Invitae), Labcorp
Classification: Uncertain significance. Last evaluated: 2022-11-04. Review status: criteria provided, single submitter. Criteria: Invitae Variant Classification Sherloc (09022015). Collection method: clinical testing. Allele origin: germline.
Comment: In summary, the available evidence is currently insufficient to determine the role of this variant in disease. Therefore, it has been classified as a Variant of Uncertain Significance. This variant has not been reported in the literature in individuals affected with HYOU1-related conditions. This variant is present in population databases (rs781836147, gnomAD 0.01%). This sequence change affects codon 778 of the HYOU1 mRNA. It is a 'silent' change, meaning that it does not change the encoded amino acid sequence of the HYOU1 protein.